The following is an entry in ClinVar:

NM_001145971.2(RDH13):c.801C>A (p.Ala267=)

Gene: RDH13 (retinol dehydrogenase 13; minus strand). Cytogenetic location: 19q13.42.
Variant type: single nucleotide variant.
Coding change: c.801C>A on transcript NM_001145971.2 (MANE Select); coding-DNA position 801, C replaced by A.
Protein change: p.Ala267=; no amino-acid change (alanine 267 retained).
Molecular consequence: synonymous variant. On other transcripts: non-coding transcript variant (2).
Genome position (GRCh38, 1-based): chr19:55,045,269, G>T on the plus strand (C>A on the coding strand, the complement: RDH13 is on the minus strand). VCF-style: chr19-55045269-G-T. GRCh37 (hg19) VCF-style: chr19-55556637-G-T.
Other names: c.588C>A, p.Ala196= (NM_138412.4).
Identifiers: ClinVar variation 2650505 (VCV002650505.24), dbSNP rs113172282, ClinGen allele CA310128132.

ClinVar aggregate classification (germline): Likely benign (1 of 4 stars; one submission).

gnomAD v4.1: 265 of 1,613,082 alleles (0.016%); highest among the groups gnomAD compares: Middle Eastern, 0.3%; no homozygotes.

Submission:

CeGaT Center for Human Genetics Tuebingen
Classification: Likely benign. Last evaluated: 2022-10-01. Review status: criteria provided, single submitter. Criteria: CeGaT Center For Human Genetics Tuebingen Variant Classification Criteria Version 2. Collection method: clinical testing. Allele origin: germline. Affected: yes. Observed: 1 variant allele.
Comment: RDH13: BP4, BP7